The following is an entry in ClinVar:

NM_004540.5(NCAM2):c.504C>T (p.Asn168=)

Gene: NCAM2 (neural cell adhesion molecule 2; plus strand). Cytogenetic location: 21q21.1.
Variant type: single nucleotide variant.
Coding change: c.504C>T on transcript NM_004540.5 (MANE Select); coding-DNA position 504, C replaced by T.
Protein change: p.Asn168=; no amino-acid change (asparagine 168 retained).
Molecular consequence: synonymous variant.
Genome position (GRCh38, 1-based): chr21:21,292,126, C>T. VCF-style: chr21-21292126-C-T. GRCh37 (hg19) VCF-style: chr21-22664446-C-T.
Other names: c.504C>T, p.Asn168= (NM_001352591.2, NM_001352593.2, NM_001352594.2 and 1 more transcripts); c.579C>T, p.Asn193= (NM_001352592.2, NM_001352597.2); c.78C>T, p.Asn26= (NM_001352595.2).
Identifiers: ClinVar variation 3050462 (VCV003050462.2), dbSNP rs145537614, ClinGen allele CA9985097.

ClinVar aggregate classification (germline): Benign (0 of 4 stars; one submission).

Conditions:
NCAM2-related disorder. Also called: NCAM2-related condition.

Allele frequency attached by ClinVar (database versions not stated): ExAC 0.00097; gnomAD 0.00293; TOPMed 0.00335; 1000 Genomes Project 30x 0.00359; ESP Exome Variant Server 0.00370; 1000 Genomes Project 0.00399.
gnomAD v4.1: 877 of 1,610,464 alleles (0.054%); highest among the groups gnomAD compares: African/African-American, 1%; 8 homozygotes.

Submission:

PreventionGenetics, part of Exact Sciences
Classification: Benign for NCAM2-related condition. Last evaluated: 2019-04-02. Review status: no assertion criteria provided. Collection method: clinical testing. Allele origin: germline.
Comment: This variant is classified as benign based on ACMG/AMP sequence variant interpretation guidelines (Richards et al. 2015 PMID: 25741868, with internal and published modifications).